The following is an entry in ClinVar:

NM_025137.4(SPG11):c.224G>T (p.Gly75Val)

Gene: SPG11 (SPG11 vesicle trafficking associated, spatacsin; minus strand). Cytogenetic location: 15q21.1.
Variant type: single nucleotide variant.
Coding change: c.224G>T on transcript NM_025137.4 (MANE Select); coding-DNA position 224, G replaced by T.
Protein change: p.Gly75Val; replaces glycine 75 with valine.
Molecular consequence: missense variant.
Genome position (GRCh38, 1-based): chr15:44,663,424, C>A on the plus strand (G>T on the coding strand, the complement: SPG11 is on the minus strand). VCF-style: chr15-44663424-C-A. GRCh37 (hg19) VCF-style: chr15-44955622-C-A.
Other names: c.224G>T, p.Gly75Val (NM_001160227.2); short protein forms G75V.
Identifiers: ClinVar variation 1000180 (VCV001000180.10), dbSNP rs922561928, ClinGen allele CA270113646.
Genomic context (GRCh38, chr15:44,663,424, plus strand): 5'-ACGGCCCAACTCTCCCTCAGCACTTACTGCCAGAAGGGGCCCTCCAGGCAGCAGCGACCC[C>A]CGCCCCGGCTGCCAGGCGTCAAAGAAAGCACTTGGAGGCTGCCCGCAGCCGTCAGGCTCC-3'
Protein context (NP_079413.3, residues 65-85): VLSLTPGSRG[Gly75Val]GRCCLEGPFW

ClinVar aggregate classification (germline): Uncertain significance (1 of 4 stars; one submission).

Conditions:
Hereditary spastic paraplegia 11. Also called: Spastic Paraplegia 11; SPASTIC PARAPLEGIA, AUTOSOMAL RECESSIVE, COMPLICATED, WITH THIN CORPUS CALLOSUM; SPASTIC PARAPLEGIA, AUTOSOMAL RECESSIVE, WITH MENTAL IMPAIRMENT AND THIN CORPUS CALLOSUM; Nakamura Osame syndrome; Autosomal recessive hereditary spastic paraplegia, mental impairment, and thin corpus callosum; Spastic paraplegia, mental retardation and thin corpus callosum. Identifiers: Orphanet 2822, MedGen C1858479, MONDO:0011445, OMIM 604360.

Allele frequency attached by ClinVar (database versions not stated): gnomAD exomes below 0.00001.
gnomAD v4.1: 2 of 1,605,646 alleles (0.00012%); highest among the groups gnomAD compares: Non-Finnish European, 0.00017%; no homozygotes.

Submission:

Labcorp Genetics (formerly Invitae), Labcorp
Classification: Uncertain significance for Hereditary spastic paraplegia 11. Last evaluated: 2022-08-16. Review status: criteria provided, single submitter. Criteria: Invitae Variant Classification Sherloc (09022015). Collection method: clinical testing. Allele origin: germline.
Comment: This sequence change replaces glycine, which is neutral and non-polar, with valine, which is neutral and non-polar, at codon 75 of the SPG11 protein (p.Gly75Val). The frequency data for this variant in the population databases is considered unreliable, as metrics indicate poor data quality at this position in the gnomAD database. This variant has not been reported in the literature in individuals affected with SPG11-related conditions. ClinVar contains an entry for this variant (Variation ID: 1000180). Algorithms developed to predict the effect of missense changes on protein structure and function (SIFT, PolyPhen-2, Align-GVGD) all suggest that this variant is likely to be tolerated. In summary, the available evidence is currently insufficient to determine the role of this variant in disease. Therefore, it has been classified as a Variant of Uncertain Significance.